The following is an entry in ClinVar:

NM_002354.3(EPCAM):c.668A>G (p.Glu223Gly)

Gene: EPCAM (epithelial cell adhesion molecule; plus strand). Cytogenetic location: 2p21.
Variant type: single nucleotide variant.
Coding change: c.668A>G on transcript NM_002354.3 (MANE Select); coding-DNA position 668, A replaced by G.
Protein change: p.Glu223Gly; replaces glutamic acid 223 with glycine.
Molecular consequence: missense variant.
Genome position (GRCh38, 1-based): chr2:47,379,779, A>G. VCF-style: chr2-47379779-A-G. GRCh37 (hg19) VCF-style: chr2-47606918-A-G.
Other names: short protein forms E223G.
Identifiers: ClinVar variation 1754894 (VCV001754894.3), dbSNP rs760783078, ClinGen allele CA1649135.

ClinVar aggregate classification (germline): Uncertain significance (1 of 4 stars; one submission).

Conditions:
Hereditary cancer-predisposing syndrome. Also called: Neoplastic Syndromes, Hereditary; Tumor predisposition; Hereditary Cancer Syndrome; Hereditary neoplastic syndrome. Identifiers: Orphanet 140162, MedGen C0027672, MeSH D009386, MONDO:0015356.

Allele frequency attached by ClinVar (database versions not stated): ExAC 0.00001; gnomAD exomes 0.00001.
gnomAD v4.1: 3 of 1,613,248 alleles (0.00019%); highest among the groups gnomAD compares: South Asian, 0.0022%; no homozygotes.

Submission:

Ambry Genetics
Classification: Uncertain significance for Hereditary cancer-predisposing syndrome. Last evaluated: 2024-05-26. Review status: criteria provided, single submitter. Criteria: Ambry Variant Classification Scheme 2023. Collection method: clinical testing. Allele origin: germline.
Comment: The p.E223G variant (also known as c.668A>G), located in coding exon 7 of the EPCAM gene, results from an A to G substitution at nucleotide position 668. The glutamic acid at codon 223 is replaced by glycine, an amino acid with similar properties. This amino acid position is conserved. In addition, the in silico prediction for this alteration is inconclusive. Since supporting evidence is limited at this time, the clinical significance of this alteration remains unclear.